The following is an entry in ClinVar:

NM_001366110.1(PAX4):c.451G>C (p.Ala151Pro)

Gene: PAX4 (paired box 4; minus strand). Cytogenetic location: 7q32.1.
Variant type: single nucleotide variant.
Coding change: c.451G>C on transcript NM_001366110.1 (MANE Select); coding-DNA position 451, G replaced by C.
Protein change: p.Ala151Pro; replaces alanine 151 with proline.
Molecular consequence: missense variant.
Genome position (GRCh38, 1-based): chr7:127,613,867, C>G on the plus strand (G>C on the coding strand, the complement: PAX4 is on the minus strand). VCF-style: chr7-127613867-C-G. GRCh37 (hg19) VCF-style: chr7-127253921-C-G.
Other names: c.451G>C, p.Ala151Pro (NM_001366111.1); short protein forms A151P.
Identifiers: ClinVar variation 2808962 (VCV002808962.3), dbSNP rs1414819441, ClinGen allele CA369174886.
Genomic context (GRCh38, chr7:127,613,867, plus strand): 5'-GGCCGGTCCCTGGGTGGGTACCCCGGGGAGTCTCAGAGCCACTATGGGGAGTGAGGACAG[C>G]TGGAGCCAAAACAGCTGAAAAGGAAGATAACAGTTTGTGGTGGTTTGTGATGGTGATTCC-3'
Protein context (NP_001353039.1, residues 141-161): RLRSPAVLAP[Ala151Pro]VLTPHSGSET

ClinVar aggregate classification (germline): Uncertain significance (1 of 4 stars; one submission).

Submission:

Labcorp Genetics (formerly Invitae), Labcorp
Classification: Uncertain significance. Last evaluated: 2024-05-29. Review status: criteria provided, single submitter. Criteria: Invitae Variant Classification Sherloc (09022015). Collection method: clinical testing. Allele origin: germline.
Comment: This sequence change replaces alanine, which is neutral and non-polar, with proline, which is neutral and non-polar, at codon 143 of the PAX4 protein (p.Ala143Pro). This variant is not present in population databases (gnomAD no frequency). This variant has not been reported in the literature in individuals affected with PAX4-related conditions. An algorithm developed to predict the effect of missense changes on protein structure and function (PolyPhen-2) suggests that this variant is likely to be tolerated. In summary, the available evidence is currently insufficient to determine the role of this variant in disease. Therefore, it has been classified as a Variant of Uncertain Significance.